The following is an entry in ClinVar:

ClinVar aggregate classification (germline): Uncertain significance (0 of 4 stars; one submission).

Conditions:
CEP164-related disorder. Also called: CEP164-related condition.

gnomAD v4.1: 8 of 1,614,108 alleles (0.0005%); highest among the groups gnomAD compares: Non-Finnish European, 0.00068%; no homozygotes.

Submission:

PreventionGenetics, part of Exact Sciences
Classification: Uncertain significance for CEP164-related condition. Last evaluated: 2024-09-15. Review status: no assertion criteria provided. Collection method: clinical testing. Allele origin: germline.
Comment: The CEP164 c.424G>T variant is predicted to result in the amino acid substitution p.Val142Phe. To our knowledge, this variant has not been reported in the literature. This variant is reported in 0.0023% of alleles in individuals of European (Non-Finnish) descent in gnomAD. At this time, the clinical significance of this variant is uncertain due to the absence of conclusive functional and genetic evidence.

NM_014956.5(CEP164):c.424G>T (p.Val142Phe)

Gene: CEP164 (centrosomal protein 164; plus strand). Cytogenetic location: 11q23.3.
Variant type: single nucleotide variant.
Coding change: c.424G>T on transcript NM_014956.5 (MANE Select); coding-DNA position 424, G replaced by T.
Protein change: p.Val142Phe; replaces valine 142 with phenylalanine.
Molecular consequence: missense variant.
Genome position (GRCh38, 1-based): chr11:117,361,865, G>T. VCF-style: chr11-117361865-G-T. GRCh37 (hg19) VCF-style: chr11-117232581-G-T.
Other names: c.424G>T, p.Val142Phe (NM_001271933.2); short protein forms V142F.
Identifiers: ClinVar variation 3345083 (VCV003345083.1).
Genomic context (GRCh38, chr11:117,361,865, plus strand): 5'-AGTTGTAACAAGATGTTTTCTGTTGCACAGGCCTTGGGTTCCTCATTAGCCCCAGTTCAT[G>T]TTCCTCTTGGGGGCCTGGCTCCTTTACGAGGTCTTGTGGATACCCCACCCTCTGCTCTTC-3'
Protein context (NP_055771.4, residues 132-152): ALGSSLAPVH[Val142Phe]PLGGLAPLRG